The following is an entry in ClinVar:

ClinVar aggregate classification (germline): Pathogenic/Likely pathogenic. Review status: criteria provided, multiple submitters, no conflicts (2 of 4 stars). 3 submissions from 3 submitters: Pathogenic (1); Likely pathogenic (2). Last evaluated 2025-04-28.

Conditions:
MFSD8-related disorders.
Neuronal ceroid lipofuscinosis 7 (CLN7). Also called: MFSD8-Related Neuronal Ceroid-Lipofuscinosis. Identifiers: Orphanet 168491, Orphanet 228366, MedGen C1838571, MONDO:0012588, OMIM 610951.

Submissions (3):

Revvity Omics, Revvity
Classification: Likely pathogenic. Last evaluated: 2025-04-28. Review status: criteria provided, single submitter. Criteria: ACMG Guidelines, 2015. Collection method: clinical testing. Allele origin: germline.

Blueprint Genetics
Classification: Likely pathogenic for MFSD8-related disorders. Last evaluated: 2024-03-29. Review status: criteria provided, single submitter. Criteria: ACMG Guidelines, 2015. Collection method: clinical testing. Allele origin: germline. Affected: yes. Observed: 3 variant alleles.

Labcorp Genetics (formerly Invitae), Labcorp
Classification: Pathogenic for Neuronal ceroid lipofuscinosis 7. Last evaluated: 2023-12-10. Review status: criteria provided, single submitter. Criteria: Invitae Variant Classification Sherloc (09022015). Collection method: clinical testing. Allele origin: germline.
Comment: This sequence change creates a premature translational stop signal (p.Val198Aspfs*6) in the MFSD8 gene. It is expected to result in an absent or disrupted protein product. Loss-of-function variants in MFSD8 are known to be pathogenic (PMID: 19177532, 25227500, 28586915). This variant is present in population databases (no rsID available, gnomAD 0.003%). This variant has not been reported in the literature in individuals affected with MFSD8-related conditions. For these reasons, this variant has been classified as Pathogenic.

Literature cited by the submitters: PubMed 19177532 (cited by Labcorp Genetics (formerly Invitae), Labcorp); PubMed 25227500 (cited by Labcorp Genetics (formerly Invitae), Labcorp); PubMed 28586915 (cited by Labcorp Genetics (formerly Invitae), Labcorp).

NM_001371596.2(MFSD8):c.593_594del (p.Val198fs)

Gene: MFSD8 (major facilitator superfamily domain containing 8; minus strand). Cytogenetic location: 4q28.2.
Variant type: Microsatellite.
Coding change: c.593_594del on transcript NM_001371596.2 (MANE Select); coding-DNA positions 593 to 594, 2 bases deleted (TG; older notation c.593_594delTG).
Protein change: p.Val198fs; shifts the reading frame from valine 198.
Molecular consequence: frameshift variant. On other transcripts: intron variant (5).
Genome position (GRCh38, 1-based): chr4:127,939,957-127,939,958, CA deleted on the plus strand (TG on the coding strand, the reverse complement: MFSD8 is on the minus strand); deleting any 2 consecutive bases within chr4:127,939,957-127,939,961 gives the same sequence; the c. name uses the placement nearest the transcript's 3' end. VCF-style (leftmost placement, unchanged base first): chr4-127939956-TCA-T. GRCh37 (hg19) VCF-style: chr4-128861111-TCA-T.
Other names: c.593_594del (NM_152778.3); c.458_459del, p.Val153fs (NM_001371590.2); c.593_594del, p.Val198fs (NM_001371591.2, NM_152778.4); c.599_600del, p.Val200fs (NM_001371592.2); c.479_480del, p.Val160fs (NM_001371593.2, NM_001410766.1); c.419-1122_419-1121del (NM_001371595.1); c.304+3794_304+3795del (NM_001410765.1); c.439+3794_439+3795del (NM_001363521.3); and 2 more; short protein forms V153fs, V200fs, V198fs, V160fs.
Identifiers: ClinVar variation 1454619 (VCV001454619.16), dbSNP rs1407346059, ClinGen allele CA554739156.